The following is an entry in ClinVar:

ClinVar aggregate classification (germline): Conflicting classifications of pathogenicity. Review status: criteria provided, conflicting classifications (1 of 4 stars). 4 submissions from 4 submitters: Uncertain significance (1); Benign (3). Last evaluated 2024-11-21.

Conditions:
PJVK-related disorder. Also called: PJVK-related condition.
Autosomal recessive nonsyndromic hearing loss 59. Identifiers: Orphanet 90636, MedGen C1857744, MONDO:0012445, OMIM 610220.

Allele frequency attached by ClinVar (database versions not stated): ESP Exome Variant Server 0.00025; gnomAD exomes 0.00029 and 0.00152; gnomAD 0.00042 and 0.00061; TOPMed 0.00070; ExAC 0.00129; 1000 Genomes Project 30x 0.00297; 1000 Genomes Project 0.00359.
gnomAD v4.1: 616 of 1,613,996 alleles (0.038%); highest among the groups gnomAD compares: East Asian, 0.99%; 7 homozygotes.

Submissions (4):

PreventionGenetics, part of Exact Sciences
Classification: Benign for PJVK-related condition. Last evaluated: 2024-11-21. Review status: criteria provided, single submitter. Criteria: ACMG Guidelines, 2015. Collection method: clinical testing. Allele origin: germline.
Comment: This variant is classified as benign based on ACMG/AMP sequence variant interpretation guidelines (Richards et al. 2015 PMID: 25741868, with internal and published modifications).

GeneDx
Classification: Benign. Last evaluated: 2019-03-29. Review status: criteria provided, single submitter. Criteria: GeneDx Variant Classification Process June 2021. Collection method: clinical testing. Allele origin: germline. Affected: yes.
Comment: This variant is associated with the following publications: (PMID: 23562982, 21935370)

Illumina Laboratory Services, Illumina
Classification: Uncertain significance for Autosomal recessive nonsyndromic hearing loss 59. Last evaluated: 2018-01-13. Review status: criteria provided, single submitter. Criteria: ICSL Variant Classification Criteria 13 December 2019. Collection method: clinical testing. Allele origin: germline.

Laboratory for Molecular Medicine, Mass General Brigham Personalized Medicine
Classification: Benign. Last evaluated: 2015-09-30. Review status: criteria provided, single submitter. Criteria: LMM Criteria. Collection method: clinical testing. Allele origin: germline. Observed: 2 variant alleles.
Comment: c.*2A>C in the 3'UTR of DFNB59: This variant is not expected to have clinical s ignificance because it has been identified in 1.74% (150/8608) of East Asian chr omosomes by the Exome Aggregation Consortium (ExAC, rg; rs200811582).

NM_001042702.5(PJVK):c.*2A>C

Gene: PJVK (pejvakin; plus strand). Cytogenetic location: 2q31.2.
Variant type: single nucleotide variant.
Coding change: c.*2A>C on transcript NM_001042702.5 (MANE Select); 2 bases downstream of the stop codon, A replaced by C.
Molecular consequence: 3 prime UTR variant.
Genome position (GRCh38, 1-based): chr2:178,461,276, A>C. VCF-style: chr2-178461276-A-C. GRCh37 (hg19) VCF-style: chr2-179326003-A-C.
Other names: c.*2A>C (NM_001353775.2, NM_001353776.2, NM_001353777.1 and 2 more transcripts).
Identifiers: ClinVar variation 226561 (VCV000226561.12), dbSNP rs200811582, ClinGen allele CA1984342.